The following is an entry in ClinVar:

ClinVar aggregate classification (germline): Conflicting classifications of pathogenicity. Review status: criteria provided, conflicting classifications (1 of 4 stars). 5 submissions from 5 submitters: Uncertain significance (1); Likely benign (4). Last evaluated 2024-03-05.

Conditions:
Long QT syndrome (LQTS). Identifiers: MedGen C0023976, MeSH D008133, MONDO:0002442. Disease mechanism: loss of function. Inheritance: Various modes of inheritance.
Cardiac arrhythmia. Also called: Arrhythmia; Cardiac rhythm disease. Identifiers: MedGen C0003811, MONDO:0007263, HP:0011675.

Allele frequency attached by ClinVar (database versions not stated): gnomAD exomes below 0.00001; TOPMed below 0.00001.

Submissions (5):

All of Us Research Program, National Institutes of Health
Classification: Likely benign for Long QT syndrome. Last evaluated: 2024-03-05. Review status: criteria provided, single submitter. Criteria: ACMG Guidelines, 2015. Collection method: clinical testing. Allele origin: germline. Inheritance: Autosomal dominant inheritance. Observed: 1 variant allele, 1 heterozygote.
Comment: This study involves interpretation of variants in research participants for the purpose of population health screening. Participant phenotype was not available at the time of variant classification. Additional details can be found in publication PMID: 35346344, PMCID: PMC8962531

Labcorp Genetics (formerly Invitae), Labcorp
Classification: Likely benign for Long QT syndrome. Last evaluated: 2022-03-19. Review status: criteria provided, single submitter. Criteria: Invitae Variant Classification Sherloc (09022015). Collection method: clinical testing. Allele origin: germline.

Blueprint Genetics
Classification: Likely benign. Last evaluated: 2021-01-27. Review status: criteria provided, single submitter. Criteria: ACMG Guidelines, 2015. Collection method: clinical testing. Allele origin: germline.

Color Diagnostics, LLC DBA Color Health
Classification: Likely benign for Arrhythmia. Last evaluated: 2019-12-20. Review status: criteria provided, single submitter. Criteria: ACMG Guidelines, 2015. Collection method: clinical testing. Allele origin: germline.

CeGaT Center for Human Genetics Tuebingen
Classification: Uncertain significance. Last evaluated: 2019-01-01. Review status: criteria provided, single submitter. Criteria: CeGaT Center For Human Genetics Tuebingen Variant Classification Criteria Version 2. Collection method: clinical testing. Allele origin: germline. Affected: yes. Observed: 1 variant allele.

NM_000238.4(KCNH2):c.3357G>A (p.Glu1119=)

Gene: KCNH2 (potassium voltage-gated channel subfamily H member 2; minus strand). Cytogenetic location: 7q36.1.
Variant type: single nucleotide variant.
Coding change: c.3357G>A on transcript NM_000238.4 (MANE Select); coding-DNA position 3357, G replaced by A.
Protein change: p.Glu1119=; no amino-acid change (glutamic acid 1119 retained).
Molecular consequence: synonymous variant.
Genome position (GRCh38, 1-based): chr7:150,945,488, C>T on the plus strand (G>A on the coding strand, the complement: KCNH2 is on the minus strand). VCF-style: chr7-150945488-C-T. GRCh37 (hg19) VCF-style: chr7-150642576-C-T.
Other names: c.2337G>A, p.Glu779= (NM_172057.3).
Identifiers: ClinVar variation 810208 (VCV000810208.52), dbSNP rs1389024546, ClinGen allele CA458644598.